The following is an entry in ClinVar:

NM_000257.4(MYH7):c.1159C>G (p.Leu387Val)

Gene: MYH7 (myosin heavy chain 7; minus strand). Cytogenetic location: 14q11.2.
Variant type: single nucleotide variant.
Coding change: c.1159C>G on transcript NM_000257.4 (MANE Select); coding-DNA position 1159, C replaced by G.
Protein change: p.Leu387Val; replaces leucine 387 with valine.
Molecular consequence: missense variant.
Genome position (GRCh38, 1-based): chr14:23,429,327, G>C on the plus strand (C>G on the coding strand, the complement: MYH7 is on the minus strand). VCF-style: chr14-23429327-G-C. GRCh37 (hg19) VCF-style: chr14-23898536-G-C.
Other names: short protein forms L387V.
Identifiers: ClinVar variation 835324 (VCV000835324.9), dbSNP rs1555338378, ClinGen allele CA389051220.

ClinVar aggregate classification (germline): Uncertain significance (1 of 4 stars; one submission).

Conditions:
Hypertrophic cardiomyopathy. Also called: HYPERTROPHIC MYOCARDIOPATHY. Identifiers: Orphanet 217569, MedGen C0007194, MeSH D002312, MONDO:0005045, HP:0001639.

Submission:

Labcorp Genetics (formerly Invitae), Labcorp
Classification: Uncertain significance for Hypertrophic cardiomyopathy. Last evaluated: 2022-08-31. Review status: criteria provided, single submitter. Criteria: Invitae Variant Classification Sherloc (09022015). Collection method: clinical testing. Allele origin: germline.
Comment: This sequence change replaces leucine, which is neutral and non-polar, with valine, which is neutral and non-polar, at codon 387 of the MYH7 protein (p.Leu387Val). This variant is not present in population databases (gnomAD no frequency). This missense change has been observed in individual(s) with clinical features of hypertrophic cardiomyopathy (Invitae). ClinVar contains an entry for this variant (Variation ID: 835324). Algorithms developed to predict the effect of missense changes on protein structure and function are either unavailable or do not agree on the potential impact of this missense change (SIFT: "Deleterious"; PolyPhen-2: "Possibly Damaging"; Align-GVGD: "Class C0"). This variant is found within a region of MYH7 between codons 181 and 937 that contains the majority of the myosin head domain. Missense variants in this region have been shown to be significantly overrepresented in individuals with hypertrophic cardiomyopathy (PMID: 27532257). In summary, the available evidence is currently insufficient to determine the role of this variant in disease. Therefore, it has been classified as a Variant of Uncertain Significance.

Literature cited by the submitters: PubMed 27532257.